The following is an entry in ClinVar:

ClinVar aggregate classification (germline): Uncertain significance (1 of 4 stars; one submission).

Conditions:
Developmental and epileptic encephalopathy, 53. Also called: Epileptic encephalopathy, early infantile, 53. Identifiers: MedGen C4479313, MONDO:0033362, OMIM 617389.
Early-onset Parkinson disease 20. Also called: PARKINSON DISEASE 20, AUTOSOMAL RECESSIVE EARLY-ONSET. Identifiers: Orphanet 391411, MedGen C3809824, MONDO:0014233, OMIM 615530.

Allele frequency attached by ClinVar (database versions not stated): gnomAD exomes below 0.00001; TOPMed below 0.00001; gnomAD 0.00001.
gnomAD v4.1: 5 of 1,613,998 alleles (0.00031%); highest among the groups gnomAD compares: Non-Finnish European, 0.00042%; no homozygotes.

Submission:

Labcorp Genetics (formerly Invitae), Labcorp
Classification: Uncertain significance for Developmental and epileptic encephalopathy, 53; Early-onset Parkinson disease 20. Last evaluated: 2021-04-24. Review status: criteria provided, single submitter. Criteria: Invitae Variant Classification Sherloc (09022015). Collection method: clinical testing. Allele origin: germline.
Comment: This sequence change falls in intron 2 of the SYNJ1 gene. It does not directly change the encoded amino acid sequence of the SYNJ1 protein. It affects a nucleotide within the consensus splice site of the intron. In summary, the available evidence is currently insufficient to determine the role of this variant in disease. Therefore, it has been classified as a Variant of Uncertain Significance. Nucleotide substitutions within the consensus splice site are a relatively common cause of aberrant splicing (PMID: 17576681, 9536098). Algorithms developed to predict the effect of sequence changes on RNA splicing suggest that this variant is not likely to affect RNA splicing, but this prediction has not been confirmed by published transcriptional studies. This variant has not been reported in the literature in individuals with SYNJ1-related conditions. This variant is not present in population databases (ExAC no frequency).

Literature cited by the submitters: PubMed 17576681; PubMed 9536098.

NM_203446.3(SYNJ1):c.124+3A>G

Gene: SYNJ1 (synaptojanin 1; minus strand). Cytogenetic location: 21q22.11.
Variant type: single nucleotide variant.
Coding change: c.124+3A>G on transcript NM_203446.3 (MANE Select); 3 bases into the intron after coding-DNA position 124, A replaced by G.
Molecular consequence: intron variant.
Genome position (GRCh38, 1-based): chr21:32,726,769, T>C on the plus strand (A>G on the coding strand, the complement: SYNJ1 is on the minus strand). VCF-style: chr21-32726769-T-C. GRCh37 (hg19) VCF-style: chr21-34099080-T-C.
Other names: c.241+3A>G (NM_003895.4); c.124+3A>G (NM_001160302.2, NM_001160306.2).
Identifiers: ClinVar variation 1388277 (VCV001388277.6), dbSNP rs1348650614, ClinGen allele CA748763921.